The following is an entry in ClinVar:

NM_000097.7(CPOX):c.904G>C (p.Glu302Gln)

Gene: CPOX (coproporphyrinogen oxidase; minus strand). Cytogenetic location: 3q11.2.
Variant type: single nucleotide variant.
Coding change: c.904G>C on transcript NM_000097.7 (MANE Select); coding-DNA position 904, G replaced by C.
Protein change: p.Glu302Gln; replaces glutamic acid 302 with glutamine.
Molecular consequence: missense variant.
Genome position (GRCh38, 1-based): chr3:98,588,762, C>G on the plus strand (G>C on the coding strand, the complement: CPOX is on the minus strand). VCF-style: chr3-98588762-C-G. GRCh37 (hg19) VCF-style: chr3-98307606-C-G.
Other names: short protein forms E302Q.
Identifiers: ClinVar variation 2829576 (VCV002829576.3), dbSNP rs1218065487, ClinGen allele CA353645404.

ClinVar aggregate classification (germline): Uncertain significance (1 of 4 stars; one submission).

Allele frequency attached by ClinVar (database versions not stated): gnomAD exomes 0.00001.
gnomAD v4.1: 3 of 1,614,182 alleles (0.00019%); highest among the groups gnomAD compares: Non-Finnish European, 0.00025%; no homozygotes.

Submission:

Labcorp Genetics (formerly Invitae), Labcorp
Classification: Uncertain significance. Last evaluated: 2023-08-16. Review status: criteria provided, single submitter. Criteria: Invitae Variant Classification Sherloc (09022015). Collection method: clinical testing. Allele origin: germline.
Comment: In summary, the available evidence is currently insufficient to determine the role of this variant in disease. Therefore, it has been classified as a Variant of Uncertain Significance. Advanced modeling of protein sequence and biophysical properties (such as structural, functional, and spatial information, amino acid conservation, physicochemical variation, residue mobility, and thermodynamic stability) performed at Invitae indicates that this missense variant is not expected to disrupt CPOX protein function. This variant has not been reported in the literature in individuals affected with CPOX-related conditions. This variant is present in population databases (no rsID available, gnomAD 0.002%). This sequence change replaces glutamic acid, which is acidic and polar, with glutamine, which is neutral and polar, at codon 302 of the CPOX protein (p.Glu302Gln).